The following is an entry in ClinVar:

NM_015001.3(SPEN):c.72G>C (p.Glu24Asp)

Genes: SPEN (spen family transcriptional repressor; plus strand), SPEN-AS1 (SPEN antisense RNA 1; minus strand). Cytogenetic location: 1p36.21.
Variant type: single nucleotide variant.
Coding change: c.72G>C on transcript NM_015001.3 (MANE Select); coding-DNA position 72, G replaced by C.
Protein change: p.Glu24Asp; replaces glutamic acid 24 with aspartic acid.
Molecular consequence: missense variant. On other transcripts: non-coding transcript variant (1).
Genome position (GRCh38, 1-based): chr1:15,848,139, G>C. VCF-style: chr1-15848139-G-C. GRCh37 (hg19) VCF-style: chr1-16174634-G-C.
Other names: c.72G>C (NM_015001.2); short protein forms E24D.
Identifiers: ClinVar variation 2126807 (VCV002126807.5), dbSNP rs1319561958, ClinGen allele CA338596279.

ClinVar aggregate classification (germline): Uncertain significance. Review status: criteria provided, multiple submitters, no conflicts (2 of 4 stars). 2 submissions from 2 submitters: Uncertain significance (2). Last evaluated 2025-05-14.

Conditions:
Inborn genetic diseases. Identifiers: MedGen C0950123, MeSH D030342.

Allele frequency attached by ClinVar (database versions not stated): gnomAD 0.00001; TOPMed below 0.00001.
gnomAD v4.1: 2 of 1,494,110 alleles (0.00013%); highest among the groups gnomAD compares: East Asian, 0.0028%; no homozygotes.

Submissions (2):

Ambry Genetics
Classification: Uncertain significance for Inborn genetic diseases. Last evaluated: 2025-05-14. Review status: criteria provided, single submitter. Criteria: Ambry Variant Classification Scheme 2023. Collection method: clinical testing. Allele origin: germline.

Labcorp Genetics (formerly Invitae), Labcorp
Classification: Uncertain significance. Last evaluated: 2025-04-26. Review status: criteria provided, single submitter. Criteria: Invitae Variant Classification Sherloc (09022015). Collection method: clinical testing. Allele origin: germline.
Comment: This sequence change replaces glutamic acid, which is acidic and polar, with aspartic acid, which is acidic and polar, at codon 24 of the SPEN protein (p.Glu24Asp). This variant is not present in population databases (gnomAD no frequency). This variant has not been reported in the literature in individuals affected with SPEN-related conditions. ClinVar contains an entry for this variant (Variation ID: 2126807). An algorithm developed to predict the effect of missense changes on protein structure and function (PolyPhen-2) suggests that this variant is likely to be tolerated. In summary, the available evidence is currently insufficient to determine the role of this variant in disease. Therefore, it has been classified as a Variant of Uncertain Significance.